The following is an entry in ClinVar:

ClinVar aggregate classification (germline): Pathogenic (1 of 4 stars; one submission).

Conditions:
Cerebral arteriopathy, autosomal recessive, with subcortical infarcts and leukoencephalopathy 1. Identifiers: MedGen C6065897, MONDO:0979867, OMIM 621295.

Submission:

Kasturba Medical College, Manipal, Kasturba Medical College, Manipal, Manipal Academy of Higher Education, Manipal, India
Classification: Pathogenic for Cerebral arteriopathy, autosomal recessive, with subcortical infarcts and leukoencephalopathy 1. Last evaluated: 2025-12-16. Review status: criteria provided, single submitter. Criteria: ACMG Guidelines, 2015. Collection method: research. Allele origin: biparental. Inheritance: Autosomal recessive inheritance. Affected: yes. Observed: 1 homozygote.
Comment: This variant is absent in homozygous and/or heterozygous state in the gnomAD (v4.1.0) population database and in our in-house data of 3913 exomes. This frameshift duplication is likely to cause shift in the reading frame of the transcript which likely introduces a premature termination codon. This may either result in the formation of a truncated protein product or the transcript to undergo nonsense-mediated mRNA decay.

NM_000435.3(NOTCH3):c.2983_2984dup (p.Gln996fs)

Gene: NOTCH3 (notch receptor 3; minus strand). Cytogenetic location: 19p13.12.
Variant type: Duplication.
Coding change: c.2983_2984dup on transcript NM_000435.3 (MANE Select); coding-DNA positions 2983 to 2984, 2 bases duplicated (CC; older notation c.2983_2984dupCC).
Protein change: p.Gln996fs; shifts the reading frame from glutamine 996.
Molecular consequence: frameshift variant.
Genome position (GRCh38, 1-based): chr19:15,180,971-15,180,972, GG duplicated on the plus strand (CC on the coding strand, the reverse complement: NOTCH3 is on the minus strand); duplicating any 2 consecutive bases within chr19:15,180,971-15,180,973 gives the same sequence; the c. name uses the placement nearest the transcript's 3' end. VCF-style (leftmost placement, unchanged base first): chr19-15180970-C-CGG. GRCh37 (hg19) VCF-style: chr19-15291781-C-CGG.
Other names: c.2982_2984C[5] (NM_000435.3); short protein forms Q996fs.
Identifiers: ClinVar variation 4537497 (VCV004537497.1).